The following is an entry in ClinVar:

ClinVar aggregate classification (germline): Uncertain significance (1 of 4 stars; one submission).

Submission:

GeneDx
Classification: Uncertain significance. Last evaluated: 2025-03-11. Review status: criteria provided, single submitter. Criteria: GeneDx Variant Classification Process June 2021. Collection method: clinical testing. Allele origin: germline. Affected: yes.
Comment: Not observed in large population cohorts (gnomAD); In-frame deletion of 1 amino acid in a non-repeat region; In silico analysis supports a deleterious effect on protein structure/function; Has not been previously published as pathogenic or benign to our knowledge

NM_006912.6(RIT1):c.192TGA[2] (p.Asp66del)

Gene: RIT1 (Ras like without CAAX 1; minus strand). Cytogenetic location: 1q22.
Variant type: Microsatellite.
Coding change: c.192TGA[2] on transcript NM_006912.6 (MANE Select); two copies in a row of the 3-base unit TGA starting at c.192; the reference has three copies in a row; one copy, 3 bases deleted.
Protein change: p.Asp66del; deletes aspartic acid 66.
Genome position (GRCh38, 1-based): chr1:155,904,768-155,904,770, TCA deleted on the plus strand (TGA on the coding strand, the reverse complement: RIT1 is on the minus strand); deleting any 3 consecutive bases within chr1:155,904,768-155,904,776 gives the same sequence; the position shown is the placement nearest the transcript's 3' end. VCF-style (leftmost placement, unchanged base first): chr1-155904767-CTCA-C. GRCh37 (hg19) VCF-style: chr1-155874558-CTCA-C.
Other names: c.84TGA[2], p.Asp30del (NM_001256820.2); c.243TGA[2], p.Asp83del (NM_001256821.2); short protein forms D30del, D66del, D83del.
Identifiers: ClinVar variation 4083420 (VCV004083420.1).